The following is an entry in ClinVar:

NM_000530.8(MPZ):c.145C>A (p.His49Asn)

Gene: MPZ (myelin protein zero; minus strand). Cytogenetic location: 1q23.3.
Variant type: single nucleotide variant.
Coding change: c.145C>A on transcript NM_000530.8 (MANE Select); coding-DNA position 145, C replaced by A.
Protein change: p.His49Asn; replaces histidine 49 with asparagine.
Molecular consequence: missense variant.
Genome position (GRCh38, 1-based): chr1:161,307,347, G>T on the plus strand (C>A on the coding strand, the complement: MPZ is on the minus strand). VCF-style: chr1-161307347-G-T. GRCh37 (hg19) VCF-style: chr1-161277137-G-T.
Other names: c.145C>A, p.His49Asn (NM_001315491.2); short protein forms H49N.
Identifiers: ClinVar variation 2827235 (VCV002827235.3), dbSNP rs1249454189, ClinGen allele CA343351237.

ClinVar aggregate classification (germline): Uncertain significance (1 of 4 stars; one submission).

Conditions:
Charcot-Marie-Tooth disease, type I (CMT1). Also called: Charcot-Marie-Tooth disease type 1; Charcot-Marie-Tooth, Type 1. Identifiers: Orphanet 65753, MedGen C0751036, MONDO:0019011.

Submission:

Labcorp Genetics (formerly Invitae), Labcorp
Classification: Uncertain significance for Charcot-Marie-Tooth disease, type I. Last evaluated: 2023-06-01. Review status: criteria provided, single submitter. Criteria: Invitae Variant Classification Sherloc (09022015). Collection method: clinical testing. Allele origin: germline.
Comment: In summary, the available evidence is currently insufficient to determine the role of this variant in disease. Therefore, it has been classified as a Variant of Uncertain Significance. Advanced modeling of protein sequence and biophysical properties (such as structural, functional, and spatial information, amino acid conservation, physicochemical variation, residue mobility, and thermodynamic stability) performed at Invitae indicates that this missense variant is not expected to disrupt MPZ protein function. This variant has not been reported in the literature in individuals affected with MPZ-related conditions. This variant is not present in population databases (gnomAD no frequency). This sequence change replaces histidine, which is basic and polar, with asparagine, which is neutral and polar, at codon 49 of the MPZ protein (p.His49Asn).